The following is an entry in ClinVar:

NM_001042492.3(NF1):c.3691G>A (p.Val1231Ile)

Gene: NF1 (neurofibromin 1; plus strand). Cytogenetic location: 17q11.2.
Variant type: single nucleotide variant.
Coding change: c.3691G>A on transcript NM_001042492.3 (MANE Select); coding-DNA position 3691, G replaced by A.
Protein change: p.Val1231Ile; replaces valine 1231 with isoleucine.
Molecular consequence: missense variant.
Genome position (GRCh38, 1-based): chr17:31,233,196, G>A. VCF-style: chr17-31233196-G-A. GRCh37 (hg19) VCF-style: chr17-29560214-G-A.
Other names: c.3691G>A, p.Val1231Ile (NM_000267.4); short protein forms V1231I.
Identifiers: ClinVar variation 2452261 (VCV002452261.6), dbSNP rs1597720248, ClinGen allele CA398990673.

ClinVar aggregate classification (germline): Uncertain significance. Review status: criteria provided, multiple submitters, no conflicts (2 of 4 stars). 3 submissions from 3 submitters: Uncertain significance (3). Last evaluated 2023-08-04.

Conditions:
Cardiovascular phenotype. Identifiers: MedGen CN230736.
Hereditary cancer-predisposing syndrome. Also called: Hereditary neoplastic syndrome; Tumor predisposition; Neoplastic Syndromes, Hereditary; Hereditary Cancer Syndrome. Identifiers: Orphanet 140162, MedGen C0027672, MeSH D009386, MONDO:0015356.
Juvenile myelomonocytic leukemia (JMML). Also called: LEUKEMIA, JUVENILE MYELOMONOCYTIC, SOMATIC. Identifiers: Orphanet 86834, MedGen C0349639, MONDO:0011908, OMIM 607785, HP:0012209.
Neurofibromatosis, type 1 (NF1). Also called: Peripheral type neurofibromatosis; Neurofibromatosis, type I; VON RECKLINGHAUSEN DISEASE; NEUROFIBROMATOSIS, TYPE I, SOMATIC. Identifiers: Orphanet 636, MedGen C0027831, MONDO:0018975, OMIM 162200. Disease mechanism: loss of function.

Submissions (3):

Baylor Genetics
Classification: Uncertain significance for Juvenile myelomonocytic leukemia. Last evaluated: 2023-08-04. Review status: criteria provided, single submitter. Criteria: ACMG Guidelines, 2015. Collection method: clinical testing. Allele origin: unknown.

Labcorp Genetics (formerly Invitae), Labcorp
Classification: Uncertain significance for Neurofibromatosis, type 1. Last evaluated: 2023-06-16. Review status: criteria provided, single submitter. Criteria: Invitae Variant Classification Sherloc (09022015). Collection method: clinical testing. Allele origin: germline.
Comment: In summary, the available evidence is currently insufficient to determine the role of this variant in disease. Therefore, it has been classified as a Variant of Uncertain Significance. Advanced modeling of protein sequence and biophysical properties (such as structural, functional, and spatial information, amino acid conservation, physicochemical variation, residue mobility, and thermodynamic stability) performed at Invitae indicates that this missense variant is expected to disrupt NF1 protein function. ClinVar contains an entry for this variant (Variation ID: 2452261). This variant has not been reported in the literature in individuals affected with NF1-related conditions. This variant is not present in population databases (gnomAD no frequency). This sequence change replaces valine, which is neutral and non-polar, with isoleucine, which is neutral and non-polar, at codon 1231 of the NF1 protein (p.Val1231Ile).

Ambry Genetics
Classification: Uncertain significance for Cardiovascular phenotype; Hereditary cancer-predisposing syndrome. Last evaluated: 2023-01-26. Review status: criteria provided, single submitter. Criteria: Ambry Variant Classification Scheme 2023. Collection method: clinical testing. Allele origin: germline.
Comment: The p.V1231I variant (also known as c.3691G>A), located in coding exon 27 of the NF1 gene, results from a G to A substitution at nucleotide position 3691. The valine at codon 1231 is replaced by isoleucine, an amino acid with highly similar properties. This amino acid position is highly conserved in available vertebrate species. In addition, the in silico prediction for this alteration is inconclusive. Since supporting evidence is limited at this time, the clinical significance of this alteration remains unclear.